The following is an entry in ClinVar:

ClinVar aggregate classification (germline): Uncertain significance (1 of 4 stars; one submission).

Conditions:
Warts, hypogammaglobulinemia, infections, and myelokathexis. Also called: WHIM syndrome. Identifiers: MedGen C0472817, MONDO:0023880.

Submission:

Labcorp Genetics (formerly Invitae), Labcorp
Classification: Uncertain significance for Warts, hypogammaglobulinemia, infections, and myelokathexis. Last evaluated: 2019-11-26. Review status: criteria provided, single submitter. Criteria: Invitae Variant Classification Sherloc (09022015). Collection method: clinical testing. Allele origin: germline.
Comment: This variant results in a copy number gain of the genomic region encompassing the full coding sequence of the CXCR4 gene. The boundaries of this event are unknown as they extend beyond the assayed region for this gene and therefore may encompass additional genes. As the precise location of this event is unknown, it may be in tandem or it may be located elsewhere in the genome. This variant has not been reported in the literature in individuals with CXCR4-related conditions. In summary, the available evidence is currently insufficient to determine the role of this variant in disease. Therefore, it has been classified as a Variant of Uncertain Significance.

NC_000002.12:g.(?_135950413)_(136118080_?)dup

Genes: CXCR4 (C-X-C motif chemokine receptor 4; minus strand), DARS1 (aspartyl-tRNA synthetase 1; minus strand). Cytogenetic location: 2q21.3-22.1.
Variant type: Duplication.
Identifiers: ClinVar variation 831169 (VCV000831169.2).